The following is an entry in ClinVar:

NM_001854.4(COL11A1):c.4709T>C (p.Leu1570Pro)

Gene: COL11A1 (collagen type XI alpha 1 chain; minus strand). Cytogenetic location: 1p21.1.
Variant type: single nucleotide variant.
Coding change: c.4709T>C on transcript NM_001854.4 (MANE Select); coding-DNA position 4709, T replaced by C.
Protein change: p.Leu1570Pro; replaces leucine 1570 with proline.
Molecular consequence: missense variant. On other transcripts: non-coding transcript variant (1).
Genome position (GRCh38, 1-based): chr1:102,886,956, A>G on the plus strand (T>C on the coding strand, the complement: COL11A1 is on the minus strand). VCF-style: chr1-102886956-A-G. GRCh37 (hg19) VCF-style: chr1-103352512-A-G.
Other names: c.4592T>C, p.Leu1531Pro (NM_001190709.2); c.4745T>C, p.Leu1582Pro (NM_080629.3); c.4361T>C, p.Leu1454Pro (NM_080630.4); short protein forms L1531P, L1570P, L1582P, L1454P.
Identifiers: ClinVar variation 1418086 (VCV001418086.13), dbSNP rs558265763, ClinGen allele CA973428.

ClinVar aggregate classification (germline): Conflicting classifications of pathogenicity. Review status: criteria provided, conflicting classifications (1 of 4 stars). 5 submissions from 5 submitters: Uncertain significance (4); Benign (1). Last evaluated 2026-09-21.

Conditions:
Inborn genetic diseases. Identifiers: MedGen C0950123, MeSH D030342.
COL11A1-related disorder. Also called: COL11A1-related condition; COL11A1-related disorders.
Hearing loss, autosomal dominant 37. Also called: DEAFNESS, AUTOSOMAL DOMINANT 37. Identifiers: MedGen C4760307, MONDO:0032802, OMIM 618533.
Fibrochondrogenesis 1 (FBCG1). Identifiers: Orphanet 2021, MedGen C3278138, MONDO:0009226, OMIM 228520.
Marshall syndrome (MRSHS). Identifiers: Orphanet 560, MedGen C0265235, MONDO:0007949, OMIM 154780.
Intervertebral disc disorder (IDD). Also called: INTERVERTEBRAL DISC DISEASE; Lumbar disk degenerative disorder. Identifiers: MedGen C0158252, MONDO:0044339, OMIM 603932.
Stickler syndrome type 2 (STL2). Also called: STICKLER SYNDROME, TYPE II; STICKLER SYNDROME, BEADED VITREOUS TYPE; STICKLER SYNDROME, VITREOUS TYPE 2; COL11A1-Related Stickler Syndrome. Identifiers: Orphanet 828, Orphanet 90654, MedGen C1858084, MONDO:0011493, OMIM 604841.

Allele frequency attached by ClinVar (database versions not stated): gnomAD exomes 0.00002 and 0.00008; TOPMed 0.00004; ExAC 0.00006.
gnomAD v4.1: 23 of 1,613,962 alleles (0.0014%); highest among the groups gnomAD compares: Admixed American, 0.032%; no homozygotes.

Submissions (5):

PreventionGenetics, part of Exact Sciences
Classification: Uncertain significance for COL11A1-related condition. Last evaluated: 2026-09-21. Review status: criteria provided, single submitter. Criteria: ACMG Guidelines, 2015. Collection method: clinical testing. Allele origin: germline.
Comment: The COL11A1 c.4709T>C variant is predicted to result in the amino acid substitution p.Leu1570Pro. To our knowledge, this variant has not been reported in the literature. This variant is reported in 0.055% of alleles in individuals of Latino descent in gnomAD. Although we suspect that this variant may be benign, at this time, the clinical significance of this variant is uncertain due to the absence of conclusive functional and genetic evidence.

Labcorp Genetics (formerly Invitae), Labcorp
Classification: Benign. Last evaluated: 2026-01-06. Review status: criteria provided, single submitter. Criteria: Invitae Variant Classification Sherloc (09022015). Collection method: clinical testing. Allele origin: germline.

Ambry Genetics
Classification: Uncertain significance for Inborn genetic diseases. Last evaluated: 2025-11-20. Review status: criteria provided, single submitter. Criteria: Ambry Variant Classification Scheme 2023. Collection method: clinical testing. Allele origin: germline.

GeneDx
Classification: Uncertain significance. Last evaluated: 2023-03-03. Review status: criteria provided, single submitter. Criteria: GeneDx Variant Classification Process June 2021. Collection method: clinical testing. Allele origin: germline. Affected: yes.
Comment: Has not been previously published as pathogenic or benign to our knowledge; In silico analysis supports that this missense variant does not alter protein structure/function; Not located in the triple helical region, where the majority of pathogenic missense variants occur (HGMD; Acke et al., 2014); This variant is associated with the following publications: (PMID: 25240749)

Fulgent Genetics
Classification: Uncertain significance for Marshall syndrome; Fibrochondrogenesis 1; Intervertebral disc disorder; Stickler syndrome type 2; Hearing loss, autosomal dominant 37. Last evaluated: 2022-04-04. Review status: criteria provided, single submitter. Criteria: ACMG Guidelines, 2015. Collection method: clinical testing. Allele origin: unknown.